The following is an entry in ClinVar:

NM_015559.3(SETBP1):c.1499C>T (p.Pro500Leu)

Gene: SETBP1 (SET binding protein 1; plus strand). Cytogenetic location: 18q12.3.
Variant type: single nucleotide variant.
Coding change: c.1499C>T on transcript NM_015559.3 (MANE Select); coding-DNA position 1499, C replaced by T.
Protein change: p.Pro500Leu; replaces proline 500 with leucine.
Molecular consequence: missense variant.
Genome position (GRCh38, 1-based): chr18:44,950,839, C>T. VCF-style: chr18-44950839-C-T. GRCh37 (hg19) VCF-style: chr18-42530804-C-T.
Other names: c.1499C>T, p.Pro500Leu (NM_001379141.1, NM_001379142.1, NM_001410862.1); short protein forms P500L.
Identifiers: ClinVar variation 2118982 (VCV002118982.4), dbSNP rs779923877, ClinGen allele CA8945630.

ClinVar aggregate classification (germline): Uncertain significance (1 of 4 stars; one submission).

Allele frequency attached by ClinVar (database versions not stated): ExAC 0.00001; gnomAD exomes below 0.00001; TOPMed 0.00001; gnomAD 0.00002.
gnomAD v4.1: 5 of 1,614,026 alleles (0.00031%); highest among the groups gnomAD compares: Non-Finnish European, 0.00042%; no homozygotes.

Submission:

Labcorp Genetics (formerly Invitae), Labcorp
Classification: Uncertain significance. Last evaluated: 2025-05-13. Review status: criteria provided, single submitter. Criteria: Invitae Variant Classification Sherloc (09022015). Collection method: clinical testing. Allele origin: germline.
Comment: This sequence change replaces proline, which is neutral and non-polar, with leucine, which is neutral and non-polar, at codon 500 of the SETBP1 protein (p.Pro500Leu). This variant is present in population databases (rs779923877, gnomAD 0.0009%). This variant has not been reported in the literature in individuals affected with SETBP1-related conditions. ClinVar contains an entry for this variant (Variation ID: 2118982). Invitae Evidence Modeling of protein sequence and biophysical properties (such as structural, functional, and spatial information, amino acid conservation, physicochemical variation, residue mobility, and thermodynamic stability) indicates that this missense variant is not expected to disrupt SETBP1 protein function with a negative predictive value of 80%. In summary, the available evidence is currently insufficient to determine the role of this variant in disease. Therefore, it has been classified as a Variant of Uncertain Significance.